The following is an entry in ClinVar:

ClinVar aggregate classification (germline): Uncertain significance (1 of 4 stars; one submission).

Conditions:
Inflammatory skin and bowel disease, neonatal, 1. Identifiers: Orphanet 294023, MedGen C3280501, MONDO:0013693, OMIM 614328.

gnomAD v4.1: 1 of 1,601,262 alleles (0.000062%); highest among the groups gnomAD compares: Non-Finnish European, 0.000085%; no homozygotes.

Submission:

Labcorp Genetics (formerly Invitae), Labcorp
Classification: Uncertain significance for Inflammatory skin and bowel disease, neonatal, 1. Last evaluated: 2024-12-09. Review status: criteria provided, single submitter. Criteria: Invitae Variant Classification Sherloc (09022015). Collection method: clinical testing. Allele origin: germline.
Comment: This sequence change replaces glutamine, which is neutral and polar, with lysine, which is basic and polar, at codon 179 of the ADAM17 protein (p.Gln179Lys). This variant is not present in population databases (gnomAD no frequency). This variant has not been reported in the literature in individuals affected with ADAM17-related conditions. ClinVar contains an entry for this variant (Variation ID: 1471971). An algorithm developed to predict the effect of missense changes on protein structure and function (PolyPhen-2) suggests that this variant is likely to be tolerated. In summary, the available evidence is currently insufficient to determine the role of this variant in disease. Therefore, it has been classified as a Variant of Uncertain Significance.

NM_003183.6(ADAM17):c.535C>A (p.Gln179Lys)

Gene: ADAM17 (ADAM metallopeptidase domain 17; minus strand). Cytogenetic location: 2p25.1.
Variant type: single nucleotide variant.
Coding change: c.535C>A on transcript NM_003183.6 (MANE Select); coding-DNA position 535, C replaced by A.
Protein change: p.Gln179Lys; replaces glutamine 179 with lysine.
Molecular consequence: missense variant. On other transcripts: 5 prime UTR variant (2).
Genome position (GRCh38, 1-based): chr2:9,527,870, G>T on the plus strand (C>A on the coding strand, the complement: ADAM17 is on the minus strand). VCF-style: chr2-9527870-G-T. GRCh37 (hg19) VCF-style: chr2-9667999-G-T.
Other names: c.-146C>A (NM_001382777.1); c.-388C>A (NM_001382778.1); short protein forms Q179K.
Identifiers: ClinVar variation 1471971 (VCV001471971.6), dbSNP rs2125027503, ClinGen allele CA345784109.